The following is an entry in ClinVar:

ClinVar aggregate classification (germline): Uncertain significance (1 of 4 stars; one submission).

Submission:

Women's Health and Genetics/Laboratory Corporation of America, LabCorp
Classification: Uncertain significance. Last evaluated: 2023-05-22. Review status: criteria provided, single submitter. Criteria: LabCorp Variant Classification Summary - May 2015. Collection method: clinical testing. Allele origin: germline.
Comment: Variant summary: SUMF1 c.1029G>T (p.Arg343Ser) results in a non-conservative amino acid change located in the Sulfatase-modifying factor enzyme (IPR005532) of the encoded protein sequence. Five of five in-silico tools predict a damaging effect of the variant on protein function. The variant was absent in 248882 control chromosomes (gnomAD). The available data on variant occurrences in the general population are insufficient to allow any conclusion about variant significance. c.1029G>T has been reported in the literature in an individual affected with Multiple Sulfatase Deficiency (example: Sabourdy_2015) . These data do not allow any conclusion about variant significance. To our knowledge, no experimental evidence demonstrating an impact on protein function has been reported. The following publication has been ascertained in the context of this evaluation (PMID: 25885655). No clinical diagnostic laboratories have submitted clinical-significance assessments for this variant to ClinVar after 2014. Based on the evidence outlined above, the variant was classified as uncertain significance.

Literature cited by the submitters: PubMed 25885655.

NM_182760.4(SUMF1):c.1029G>T (p.Arg343Ser)

Gene: SUMF1 (sulfatase modifying factor 1; minus strand). Cytogenetic location: 3p26.1.
Variant type: single nucleotide variant.
Coding change: c.1029G>T on transcript NM_182760.4 (MANE Select); coding-DNA position 1029, G replaced by T.
Protein change: p.Arg343Ser; replaces arginine 343 with serine.
Molecular consequence: missense variant.
Genome position (GRCh38, 1-based): chr3:4,362,240, C>A on the plus strand (G>T on the coding strand, the complement: SUMF1 is on the minus strand). VCF-style: chr3-4362240-C-A. GRCh37 (hg19) VCF-style: chr3-4403924-C-A.
Other names: c.954G>T, p.Arg318Ser (NM_001164674.2); c.969G>T, p.Arg323Ser (NM_001164675.2); short protein forms R318S, R323S, R343S.
Identifiers: ClinVar variation 2506116 (VCV002506116.1), dbSNP rs2470778338, ClinGen allele CA351626574.